The following is an entry in ClinVar:

NM_001384900.1(SEMA3D):c.1210G>A (p.Asp404Asn)

Gene: SEMA3D (semaphorin 3D; minus strand). Cytogenetic location: 7q21.11.
Variant type: single nucleotide variant.
Coding change: c.1210G>A on transcript NM_001384900.1 (MANE Select); coding-DNA position 1210, G replaced by A.
Protein change: p.Asp404Asn; replaces aspartic acid 404 with asparagine.
Molecular consequence: missense variant.
Genome position (GRCh38, 1-based): chr7:85,022,595, C>T on the plus strand (G>A on the coding strand, the complement: SEMA3D is on the minus strand). VCF-style: chr7-85022595-C-T. GRCh37 (hg19) VCF-style: chr7-84651911-C-T.
Other names: c.1210G>A, p.Asp404Asn (NM_001384901.1, NM_001384902.1, NM_001384903.1 and 1 more transcripts); short protein forms D404N.
Identifiers: ClinVar variation 5000978 (VCV005000978.1).
Genomic context (GRCh38, chr7:85,022,595, plus strand): 5'-GCCGCTTTATGAAACTGATGACATCATCTGGAAAATCTCGGGTGGACTTAATCAGTGGGT[C>T]ATAGGTTTTGCTTGGACACTGAAAATAAATGTGGAGGAAAGTAAAGACATTGTTTATGCA-3'
Protein context (NP_001371829.1, residues 394-414): RPGTCPSKTY[Asp404Asn]PLIKSTRDFP

ClinVar aggregate classification (germline): Uncertain significance (1 of 4 stars; one submission).

Conditions:
SEMA3D-related disorder. Also called: SEMA3D-related condition.

gnomAD v4.1: 2 of 1,611,224 alleles (0.00012%); highest among the groups gnomAD compares: Non-Finnish European, 0.00017%; no homozygotes.

Submission:

PreventionGenetics, part of Exact Sciences
Classification: Uncertain significance for SEMA3D-related condition. Last evaluated: 2026-03-10. Review status: criteria provided, single submitter. Criteria: ACMG Guidelines, 2015. Collection method: clinical testing. Allele origin: germline.
Comment: The SEMA3D c.1210G>A variant is predicted to result in the amino acid substitution p.Asp404Asn. To our knowledge, this variant has not been reported in the literature. This variant is reported in 0.0065% of alleles in individuals of European (Non-Finnish) descent in gnomAD. At this time, the clinical significance of this variant is uncertain due to the absence of conclusive functional and genetic evidence.